The following is an entry in ClinVar:

ClinVar aggregate classification (germline): Uncertain significance (1 of 4 stars; one submission).

Submission:

Labcorp Genetics (formerly Invitae), Labcorp
Classification: Uncertain significance. Last evaluated: 2022-08-16. Review status: criteria provided, single submitter. Criteria: Invitae Variant Classification Sherloc (09022015). Collection method: clinical testing. Allele origin: germline.
Comment: This sequence change replaces alanine, which is neutral and non-polar, with threonine, which is neutral and polar, at codon 16 of the PROSC protein (p.Ala16Thr). This variant is not present in population databases (gnomAD no frequency). This variant has not been reported in the literature in individuals affected with PROSC-related conditions. Algorithms developed to predict the effect of missense changes on protein structure and function (SIFT, PolyPhen-2, Align-GVGD) all suggest that this variant is likely to be tolerated. Algorithms developed to predict the effect of sequence changes on RNA splicing suggest that this variant may disrupt the consensus splice site. In summary, the available evidence is currently insufficient to determine the role of this variant in disease. Therefore, it has been classified as a Variant of Uncertain Significance.

NM_007198.4(PLPBP):c.46G>A (p.Ala16Thr)

Genes: PLPBP (pyridoxal phosphate binding protein; plus strand), LOC113788277 (Sharpr-MPRA regulatory region 13802; plus strand). Cytogenetic location: 8p11.23.
Variant type: single nucleotide variant.
Coding change: c.46G>A on transcript NM_007198.4 (MANE Select); coding-DNA position 46, G replaced by A.
Protein change: p.Ala16Thr; replaces alanine 16 with threonine.
Molecular consequence: missense variant. On other transcripts: intron variant (1).
Genome position (GRCh38, 1-based): chr8:37,762,705, G>A. VCF-style: chr8-37762705-G-A. GRCh37 (hg19) VCF-style: chr8-37620223-G-A.
Other names: c.46G>A, p.Ala16Thr (NM_001349346.2, NM_001349347.2); c.151G>A, p.Ala51Thr (NM_001349349.1); c.-58+5G>A (NM_001349348.2); short protein forms A16T, A51T.
Identifiers: ClinVar variation 1960692 (VCV001960692.2), dbSNP rs139294873, ClinGen allele CA370665764.